The following is an entry in ClinVar:

ClinVar aggregate classification (germline): Uncertain significance (1 of 4 stars; one submission).

Submission:

GeneDx
Classification: Uncertain significance. Last evaluated: 2022-04-20. Review status: criteria provided, single submitter. Criteria: GeneDx Variant Classification Process June 2021. Collection method: clinical testing. Allele origin: germline. Affected: yes.
Comment: Not observed at significant frequency in large population cohorts (gnomAD); In silico analysis supports that this missense variant does not alter protein structure/function; Has not been previously published as pathogenic or benign to our knowledge

NM_004171.4(SLC1A2):c.328G>A (p.Ala110Thr)

Gene: SLC1A2 (solute carrier family 1 member 2; minus strand). Cytogenetic location: 11p13.
Variant type: single nucleotide variant.
Coding change: c.328G>A on transcript NM_004171.4 (MANE Select); coding-DNA position 328, G replaced by A.
Protein change: p.Ala110Thr; replaces alanine 110 with threonine.
Molecular consequence: missense variant.
Genome position (GRCh38, 1-based): chr11:35,312,431, C>T on the plus strand (G>A on the coding strand, the complement: SLC1A2 is on the minus strand). VCF-style: chr11-35312431-C-T. GRCh37 (hg19) VCF-style: chr11-35333978-C-T.
Other names: c.301G>A, p.Ala101Thr (NM_001195728.3, NM_001252652.2); short protein forms A101T, A110T.
Identifiers: ClinVar variation 1712085 (VCV001712085.2), dbSNP rs2497904636, ClinGen allele CA380129788.